The following is an entry in ClinVar:

ClinVar aggregate classification (germline): Conflicting classifications of pathogenicity. Review status: criteria provided, conflicting classifications (1 of 4 stars). 2 submissions from 2 submitters: Likely pathogenic (1); Uncertain significance (1). Last evaluated 2025-04-17.

Conditions:
COL4A5-related disorders.

Submissions (2):

Labcorp Genetics (formerly Invitae), Labcorp
Classification: Uncertain significance. Last evaluated: 2025-04-17. Review status: criteria provided, single submitter. Criteria: Invitae Variant Classification Sherloc (09022015). Collection method: clinical testing. Allele origin: germline.
Comment: This sequence change replaces cysteine, which is neutral and slightly polar, with tyrosine, which is neutral and polar, at codon 1509 of the COL4A5 protein (p.Cys1509Tyr). This variant is not present in population databases (gnomAD no frequency). This missense change has been observed in individual(s) with clinical features of Alport syndrome (internal data). ClinVar contains an entry for this variant (Variation ID: 1005309). Invitae Evidence Modeling of protein sequence and biophysical properties (such as structural, functional, and spatial information, amino acid conservation, physicochemical variation, residue mobility, and thermodynamic stability) indicates that this missense variant is expected to disrupt COL4A5 protein function with a positive predictive value of 95%. In summary, the available evidence is currently insufficient to determine the role of this variant in disease. Therefore, it has been classified as a Variant of Uncertain Significance.

Blueprint Genetics
Classification: Likely pathogenic for COL4A5-related disorders. Last evaluated: 2024-09-16. Review status: criteria provided, single submitter. Criteria: ACMG Guidelines, 2015. Collection method: clinical testing. Allele origin: germline. Affected: yes. Observed: 3 variant alleles.

NM_033380.3(COL4A5):c.4544G>A (p.Cys1515Tyr)

Gene: COL4A5 (collagen type IV alpha 5 chain; plus strand). Cytogenetic location: Xq22.3.
Variant type: single nucleotide variant.
Coding change: c.4544G>A on transcript NM_033380.3 (MANE Select); coding-DNA position 4544, G replaced by A.
Protein change: p.Cys1515Tyr; replaces cysteine 1515 with tyrosine.
Molecular consequence: missense variant.
Genome position (GRCh38, 1-based): chrX:108,692,763, G>A. VCF-style: chrX-108692763-G-A. GRCh37 (hg19) VCF-style: chrX-107935993-G-A.
Other names: c.4526G>A, p.Cys1509Tyr (NM_000495.5); short protein forms C1509Y, C1515Y.
Identifiers: ClinVar variation 1005309 (VCV001005309.8), dbSNP rs2068656815, ClinGen allele CA413855261.